The following is an entry in ClinVar:

ClinVar aggregate classification (germline): Likely pathogenic (1 of 4 stars; one submission).

Conditions:
Leukoencephalopathy with vanishing white matter 1 (VWM1). Also called: CHILDHOOD ATAXIA WITH CENTRAL NERVOUS SYSTEM HYPOMYELINIZATION; Vanishing white matter leukodystrophy; EIF2B1-Related Childhood Ataxia with Central Nervous System Hypomyelination/Vanishing White Matter; Cree leukoencephalopathy. Identifiers: Orphanet 99854, MedGen C5779972, MONDO:0020507, OMIM 603896.

gnomAD v4.1: 2 of 1,599,850 alleles (0.00013%); highest among the groups gnomAD compares: Admixed American, 0.0017%; no homozygotes.

Submission:

Victorian Clinical Genetics Services, Murdoch Childrens Research Institute
Classification: Likely pathogenic for Leukoencephalopathy with vanishing white matter 1. Last evaluated: 2022-06-24. Review status: criteria provided, single submitter. Criteria: ACMG Guidelines, 2015. Collection method: clinical testing. Allele origin: germline. Inheritance: Autosomal recessive inheritance. Affected: yes.
Comment: Based on the classification scheme VCGS_Germline_v1.3.4, this variant is classified as Likely pathogenic. Following criteria are met: 0102 - Loss of function is a reported mechanism of disease in this gene and is associated with leukoencephalopathy with vanishing white matter (MIM#603896). (I) 0106 - This gene is associated with autosomal recessive disease. (I) 0115 - Variants in this gene are known to have variable expressivity (PMIDs: 16998732, 35389136). (I) 0200 - Variant is predicted to result in a missense amino acid change from glycine to cysteine. (I) 0251 - This variant is heterozygous. (I) 0304 - Variant is present in gnomAD <0.01 for a recessive condition (v3: 1 heterozygote, 0 homozygotes). (SP) 0309 - An alternative amino acid change at the same position has been observed in gnomAD (v2: 2 heterozygotes, 0 homozygotes). (I) 0501 - Missense variant consistently predicted to be damaging by multiple in silico tools or highly conserved with a major amino acid change. (SP) 0604 - Variant is not located in an established domain, motif, hotspot or informative constraint region. (I) 0704 - Another missense variant comparable to the one identified in this case has limited previous evidence for pathogenicity. A change to serine has been identified in an individual with infantile onset in trans with a missense (PMID: 25761052). (SP) 0807 - This variant has no previous evidence of pathogenicity. It has been reported in this same proband (PMID: 32071834). (I) 0905 - No published segregation evidence has been identified for this variant. (I) 1007 - No published functional evidence has been identified for this variant. (I) 1201 - Heterozygous variant detected in trans with a second pathogenic heterozygous variant (NM_001034116.1(EIF2B4):c.728C>T; p.(Pro243Leu)) in a recessive disease. (I) Legend: (SP) - Supporting pathogenic, (I) - Information, (SB) - Supporting benign

Literature cited by the submitters: PubMed 16998732; PubMed 25761052; PubMed 32071834; PubMed 35389136.

NM_001034116.2(EIF2B4):c.631G>T (p.Gly211Cys)

Gene: EIF2B4 (eukaryotic translation initiation factor 2B subunit delta; minus strand). Cytogenetic location: 2p23.3.
Variant type: single nucleotide variant.
Coding change: c.631G>T on transcript NM_001034116.2 (MANE Select); coding-DNA position 631, G replaced by T.
Protein change: p.Gly211Cys; replaces glycine 211 with cysteine.
Molecular consequence: missense variant.
Genome position (GRCh38, 1-based): chr2:27,368,099, C>A on the plus strand (G>T on the coding strand, the complement: EIF2B4 is on the minus strand). VCF-style: chr2-27368099-C-A. GRCh37 (hg19) VCF-style: chr2-27590966-C-A.
Other names: c.694G>T, p.Gly232Cys (NM_001318965.2); c.586G>T, p.Gly196Cys (NM_001318966.2); c.538G>T, p.Gly180Cys (NM_001318967.2); c.46G>T, p.Gly16Cys (NM_001318968.2); c.13G>T, p.Gly5Cys (NM_001318969.2); c.628G>T, p.Gly210Cys (NM_015636.4); c.691G>T, p.Gly231Cys (NM_172195.4); short protein forms G16C, G180C, G196C, G210C, G211C, G231C, G232C, G5C.
Identifiers: ClinVar variation 1699333 (VCV001699333.3), dbSNP rs1332546889, ClinGen allele CA346200392.